The following is an entry in ClinVar:

NM_020937.4(FANCM):c.4312C>T (p.Pro1438Ser)

Gene: FANCM (FA complementation group M; plus strand). Cytogenetic location: 14q21.2.
Variant type: single nucleotide variant.
Coding change: c.4312C>T on transcript NM_020937.4 (MANE Select); coding-DNA position 4312, C replaced by T.
Protein change: p.Pro1438Ser; replaces proline 1438 with serine.
Molecular consequence: missense variant.
Genome position (GRCh38, 1-based): chr14:45,181,519, C>T. VCF-style: chr14-45181519-C-T. GRCh37 (hg19) VCF-style: chr14-45650722-C-T.
Other names: c.4234C>T, p.Pro1412Ser (NM_001308133.2); short protein forms P1412S, P1438S.
Identifiers: ClinVar variation 1312695 (VCV001312695.4), dbSNP rs1370234292, ClinGen allele CA389607228.
Genomic context (GRCh38, chr14:45,181,519, plus strand): 5'-GAAGATGACGAGATTTTCCGAAGAAAAGTTAAAAGAGCAAAAGGAAATGTTTTAAACTCT[C>T]CTGAGGTGAGTCATTCAGTAATCACAATAGTATAATCATATCAAAGGCTATTTTCCTTTT-3'
Protein context (NP_065988.1, residues 1428-1448): KRAKGNVLNS[Pro1438Ser]EDQKNSEVDS

ClinVar aggregate classification (germline): Uncertain significance. Review status: criteria provided, multiple submitters, no conflicts (2 of 4 stars). 3 submissions from 3 submitters: Uncertain significance (3). Last evaluated 2025-07-14.

Conditions:
Inborn genetic diseases. Identifiers: MedGen C0950123, MeSH D030342.
Fanconi anemia (FA). Also called: Fanconi's anemia. Identifiers: Orphanet 84, MedGen C0015625, MeSH D005199, MONDO:0019391.

Allele frequency attached by ClinVar (database versions not stated): gnomAD exomes below 0.00001.

Submissions (3):

Labcorp Genetics (formerly Invitae), Labcorp
Classification: Uncertain significance for Fanconi anemia. Last evaluated: 2025-07-14. Review status: criteria provided, single submitter. Criteria: Invitae Variant Classification Sherloc (09022015). Collection method: clinical testing. Allele origin: germline.
Comment: This sequence change replaces proline, which is neutral and non-polar, with serine, which is neutral and polar, at codon 1438 of the FANCM protein (p.Pro1438Ser). The frequency data for this variant in the population databases is considered unreliable, as metrics indicate poor data quality at this position in the gnomAD database. This variant has not been reported in the literature in individuals affected with FANCM-related conditions. ClinVar contains an entry for this variant (Variation ID: 1312695). An algorithm developed to predict the effect of missense changes on protein structure and function (PolyPhen-2) suggests that this variant is likely to be disruptive. In summary, the available evidence is currently insufficient to determine the role of this variant in disease. Therefore, it has been classified as a Variant of Uncertain Significance.

Ambry Genetics
Classification: Uncertain significance for Inborn genetic diseases. Last evaluated: 2025-04-05. Review status: criteria provided, single submitter. Criteria: Ambry Variant Classification Scheme 2023. Collection method: clinical testing. Allele origin: germline.
Comment: The p.P1438S variant (also known as c.4312C>T), located in coding exon 15 of the FANCM gene, results from a C to T substitution at nucleotide position 4312. The proline at codon 1438 is replaced by serine, an amino acid with similar properties. This amino acid position is conserved. In addition, this alteration is predicted to be tolerated by in silico analysis. Based on the available evidence, the clinical significance of this variant remains unclear.

GeneDx
Classification: Uncertain significance. Last evaluated: 2020-06-10. Review status: criteria provided, single submitter. Criteria: GeneDx Variant Classification Process June 2021. Collection method: clinical testing. Allele origin: germline. Affected: yes.
Comment: Not observed at a significant frequency in large population cohorts (Lek 2016); In silico analysis supports that this missense variant has a deleterious effect on protein structure/function; Has not been previously published as pathogenic or benign to our knowledge